The following is an entry in ClinVar:

NM_000199.5(SGSH):c.1321C>T (p.Arg441Trp)

Gene: SGSH (N-sulfoglucosamine sulfohydrolase; minus strand). Cytogenetic location: 17q25.3.
Variant type: single nucleotide variant.
Coding change: c.1321C>T on transcript NM_000199.5 (MANE Select); coding-DNA position 1321, C replaced by T.
Protein change: p.Arg441Trp; replaces arginine 441 with tryptophan.
Molecular consequence: missense variant. On other transcripts: 3 prime UTR variant (2), non-coding transcript variant (1).
Genome position (GRCh38, 1-based): chr17:80,210,640, G>A on the plus strand (C>T on the coding strand, the complement: SGSH is on the minus strand). VCF-style: chr17-80210640-G-A. GRCh37 (hg19) VCF-style: chr17-78184439-G-A.
Other names: c.*408C>T (NM_001352921.3); c.*371C>T (NM_001352922.2); short protein forms R441W.
Identifiers: ClinVar variation 891643 (VCV000891643.10), dbSNP rs751604358, ClinGen allele CA8817613.

ClinVar aggregate classification (germline): Uncertain significance. Review status: criteria provided, multiple submitters, no conflicts (2 of 4 stars). 5 submissions from 5 submitters: Uncertain significance (5). Last evaluated 2022-10-13.

Conditions:
Mucopolysaccharidosis, MPS-III-A (MPS3A). Also called: SANFILIPPO SYNDROME A; SULFAMIDASE DEFICIENCY; MPS III A; HEPARAN SULFATE SULFATASE DEFICIENCY; Mucopolysaccharidosis, type IIIA; MUCOPOLYSACCHARIDOSIS, TYPE IIIA, ATTENUATED. Identifiers: Orphanet 581, Orphanet 79269, MedGen C0086647, MONDO:0009655, OMIM 252900.

Allele frequency attached by ClinVar (database versions not stated): TOPMed 0.00012; gnomAD exomes 0.00003 and 0.00005; ExAC 0.00005; gnomAD 0.00009.
gnomAD v4.1: 64 of 1,613,970 alleles (0.004%); highest among the groups gnomAD compares: Middle Eastern, 0.099%; no homozygotes.

Submissions (5):

Labcorp Genetics (formerly Invitae), Labcorp
Classification: Uncertain significance for Mucopolysaccharidosis, MPS-III-A. Last evaluated: 2022-10-13. Review status: criteria provided, single submitter. Criteria: Invitae Variant Classification Sherloc (09022015). Collection method: clinical testing. Allele origin: germline.
Comment: This sequence change replaces arginine, which is basic and polar, with tryptophan, which is neutral and slightly polar, at codon 441 of the SGSH protein (p.Arg441Trp). This variant is present in population databases (rs751604358, gnomAD 0.02%). This variant has not been reported in the literature in individuals affected with SGSH-related conditions. ClinVar contains an entry for this variant (Variation ID: 891643). Algorithms developed to predict the effect of missense changes on protein structure and function output the following: SIFT: "Deleterious"; PolyPhen-2: "Benign"; Align-GVGD: "Class C0". The tryptophan amino acid residue is found in multiple mammalian species, which suggests that this missense change does not adversely affect protein function. In summary, the available evidence is currently insufficient to determine the role of this variant in disease. Therefore, it has been classified as a Variant of Uncertain Significance.

Fulgent Genetics
Classification: Uncertain significance for Mucopolysaccharidosis, MPS-III-A. Last evaluated: 2021-12-22. Review status: criteria provided, single submitter. Criteria: ACMG Guidelines, 2015. Collection method: clinical testing. Allele origin: unknown.

Genome-Nilou Lab
Classification: Uncertain significance for Mucopolysaccharidosis, MPS-III-A. Last evaluated: 2021-11-07. Review status: criteria provided, single submitter. Criteria: ACMG Guidelines, 2015. Collection method: clinical testing. Allele origin: germline. Affected: no.

Illumina Laboratory Services, Illumina
Classification: Uncertain significance for Mucopolysaccharidosis, MPS-III-A. Last evaluated: 2018-01-12. Review status: criteria provided, single submitter. Criteria: ICSL Variant Classification Criteria 13 December 2019. Collection method: clinical testing. Allele origin: germline.

Breakthrough Genomics
Classification: Uncertain significance. Review status: criteria provided, single submitter. Criteria: ACMG Guidelines, 2015. Collection method: not provided. Allele origin: germline. Inheritance: Autosomal recessive inheritance. Affected: yes.